The following is an entry in ClinVar:

ClinVar aggregate classification (germline): Uncertain significance (1 of 4 stars; one submission).

Submission:

GeneDx
Classification: Uncertain significance. Last evaluated: 2022-11-01. Review status: criteria provided, single submitter. Criteria: GeneDx Variant Classification Process June 2021. Collection method: clinical testing. Allele origin: germline. Affected: yes.
Comment: Not observed at significant frequency in large population cohorts (gnomAD); In silico analysis supports that this missense variant does not alter protein structure/function; Has not been previously published as pathogenic or benign to our knowledge

NM_005909.5(MAP1B):c.5968G>C (p.Gly1990Arg)

Gene: MAP1B (microtubule associated protein 1B; plus strand). Cytogenetic location: 5q13.2.
Variant type: single nucleotide variant.
Coding change: c.5968G>C on transcript NM_005909.5 (MANE Select); coding-DNA position 5968, G replaced by C.
Protein change: p.Gly1990Arg; replaces glycine 1990 with arginine.
Molecular consequence: missense variant.
Genome position (GRCh38, 1-based): chr5:72,199,323, G>C. VCF-style: chr5-72199323-G-C. GRCh37 (hg19) VCF-style: chr5-71495150-G-C.
Other names: c.5590G>C, p.Gly1864Arg (NM_001324255.2); short protein forms G1864R, G1990R.
Identifiers: ClinVar variation 2500458 (VCV002500458.1), dbSNP rs1747267543, ClinGen allele CA360020240.